The following is an entry in ClinVar:

NM_000051.4(ATM):c.7950C>A (p.Asp2650Glu)

Genes: ATM (ATM serine/threonine kinase; plus strand), C11orf65 (chromosome 11 open reading frame 65; minus strand). Cytogenetic location: 11q22.3.
Variant type: single nucleotide variant.
Coding change: c.7950C>A on transcript NM_000051.4 (MANE Select); coding-DNA position 7950, C replaced by A.
Protein change: p.Asp2650Glu; replaces aspartic acid 2650 with glutamic acid.
Molecular consequence: missense variant. On other transcripts: intron variant (2).
Genome position (GRCh38, 1-based): chr11:108,333,908, C>A. VCF-style: chr11-108333908-C-A. GRCh37 (hg19) VCF-style: chr11-108204635-C-A.
Other names: c.7950C>A, p.Asp2650Glu (NM_001351834.2); c.641-24837G>T (NM_001330368.2); c.*38+1312G>T (NM_001351110.2); short protein forms D2650E.
Identifiers: ClinVar variation 1472495 (VCV001472495.8), dbSNP rs1060504298, ClinGen allele CA382561693.

ClinVar aggregate classification (germline): Uncertain significance. Review status: criteria provided, multiple submitters, no conflicts (2 of 4 stars). 2 submissions from 2 submitters: Uncertain significance (2). Last evaluated 2024-01-18.

Conditions:
Ataxia-telangiectasia syndrome (AT). Also called: LOUIS-BAR SYNDROME; Cerebello-oculocutaneous telangiectasia; Immunodeficiency with ataxia telangiectasia; Ataxia telangiectasia (A-T); Ataxia-telangiectasia, complementation group D; AT, COMPLEMENTATION GROUP C. Identifiers: Orphanet 100, MedGen C0004135, MONDO:0008840, OMIM 208900.
Hereditary cancer-predisposing syndrome. Also called: Neoplastic Syndromes, Hereditary; Tumor predisposition; Hereditary Cancer Syndrome; Hereditary neoplastic syndrome. Identifiers: Orphanet 140162, MedGen C0027672, MeSH D009386, MONDO:0015356.

Submissions (2):

Labcorp Genetics (formerly Invitae), Labcorp
Classification: Uncertain significance for Ataxia-telangiectasia syndrome. Last evaluated: 2024-01-18. Review status: criteria provided, single submitter. Criteria: Invitae Variant Classification Sherloc (09022015). Collection method: clinical testing. Allele origin: germline.
Comment: This sequence change replaces aspartic acid, which is acidic and polar, with glutamic acid, which is acidic and polar, at codon 2650 of the ATM protein (p.Asp2650Glu). This variant is not present in population databases (gnomAD no frequency). This variant has not been reported in the literature in individuals affected with ATM-related conditions. ClinVar contains an entry for this variant (Variation ID: 1472495). An algorithm developed to predict the effect of missense changes on protein structure and function (PolyPhen-2) suggests that this variant is likely to be tolerated. In summary, the available evidence is currently insufficient to determine the role of this variant in disease. Therefore, it has been classified as a Variant of Uncertain Significance.

Ambry Genetics
Classification: Uncertain significance for Hereditary cancer-predisposing syndrome. Last evaluated: 2021-07-09. Review status: criteria provided, single submitter. Criteria: Ambry Variant Classification Scheme 2023. Collection method: clinical testing. Allele origin: germline.
Comment: The p.D2650E variant (also known as c.7950C>A), located in coding exon 53 of the ATM gene, results from a C to A substitution at nucleotide position 7950. The aspartic acid at codon 2650 is replaced by glutamic acid, an amino acid with highly similar properties. This amino acid position is well conserved in available vertebrate species. In addition, this alteration is predicted to be tolerated by in silico analysis. Since supporting evidence is limited at this time, the clinical significance of this alteration remains unclear.